The following is an entry in ClinVar:

NM_001040142.2(SCN2A):c.4254+158A>G

Gene: SCN2A (sodium voltage-gated channel alpha subunit 2; plus strand). Cytogenetic location: 2q24.3.
Variant type: single nucleotide variant.
Coding change: c.4254+158A>G on transcript NM_001040142.2 (MANE Select); 158 bases into the intron after coding-DNA position 4254, A replaced by G.
Molecular consequence: intron variant.
Genome position (GRCh38, 1-based): chr2:165,375,124, A>G. VCF-style: chr2-165375124-A-G. GRCh37 (hg19) VCF-style: chr2-166231634-A-G.
Other names: c.4254+158A>G (NM_021007.3, NM_001040143.2, NM_001371246.1 and 1 more transcripts).
Identifiers: ClinVar variation 669361 (VCV000669361.2), dbSNP rs1368238, ClinGen allele CA15226336.

ClinVar aggregate classification (germline): Benign. Review status: criteria provided, multiple submitters, no conflicts (2 of 4 stars). 2 submissions from 2 submitters: Benign (2). Last evaluated 2018-06-14.

Allele frequency attached by ClinVar (database versions not stated): 1000 Genomes Project 0.27276; 1000 Genomes Project 30x 0.27608; gnomAD 0.28873 and 0.28891; TOPMed 0.29943.
gnomAD v4.1: 43,958 of 151,970 alleles (29%); highest among the groups gnomAD compares: Middle Eastern, 48%; 6,676 homozygotes.

Submissions (2):

GeneDx
Classification: Benign. Last evaluated: 2018-06-14. Review status: criteria provided, single submitter. Criteria: GeneDx Variant Classification (06012015). Collection method: clinical testing. Allele origin: germline. Affected: yes.
Comment: This variant is considered likely benign or benign based on one or more of the following criteria: it is a conservative change, it occurs at a poorly conserved position in the protein, it is predicted to be benign by multiple in silico algorithms, and/or has population frequency not consistent with disease.

Breakthrough Genomics
Classification: Benign. Review status: criteria provided, single submitter. Criteria: ACMG Guidelines, 2015. Collection method: not provided. Allele origin: germline. Inheritance: Autosomal dominant inheritance. Affected: yes.